The following is an entry in ClinVar:

ClinVar aggregate classification (germline): Uncertain significance (1 of 4 stars; one submission).

Conditions:
Hereditary cancer-predisposing syndrome. Also called: Hereditary Cancer Syndrome; Neoplastic Syndromes, Hereditary; Tumor predisposition; Hereditary neoplastic syndrome. Identifiers: Orphanet 140162, MedGen C0027672, MeSH D009386, MONDO:0015356.

gnomAD v4.1: 5 of 1,614,166 alleles (0.00031%); highest among the groups gnomAD compares: East Asian, 0.0089%; no homozygotes.

Submission:

Ambry Genetics
Classification: Uncertain significance for Hereditary cancer-predisposing syndrome. Last evaluated: 2026-07-27. Review status: criteria provided, single submitter. Criteria: Ambry Variant Classification Scheme 2023. Collection method: clinical testing. Allele origin: germline.
Comment: The p.Q706K variant (also known as c.2116C>A), located in coding exon 12 of the ALK gene, results from a C to A substitution at nucleotide position 2116. The glutamine at codon 706 is replaced by lysine, an amino acid with similar properties. This amino acid position is conserved. In addition, this alteration is predicted to be tolerated by in silico analysis. Based on the available evidence, the clinical significance of this variant remains unclear.

NM_004304.5(ALK):c.2116C>A (p.Gln706Lys)

Gene: ALK (ALK receptor tyrosine kinase; minus strand). Cytogenetic location: 2p23.2.
Variant type: single nucleotide variant.
Coding change: c.2116C>A on transcript NM_004304.5 (MANE Select); coding-DNA position 2116, C replaced by A.
Protein change: p.Gln706Lys; replaces glutamine 706 with lysine.
Molecular consequence: missense variant.
Genome position (GRCh38, 1-based): chr2:29,251,193, G>T on the plus strand (C>A on the coding strand, the complement: ALK is on the minus strand). VCF-style: chr2-29251193-G-T. GRCh37 (hg19) VCF-style: chr2-29474059-G-T.
Other names: short protein forms Q706K.
Identifiers: ClinVar variation 5034765 (VCV005034765.1).